The following is an entry in ClinVar:

ClinVar aggregate classification (germline): Pathogenic (1 of 4 stars; one submission).

Conditions:
Autosomal recessive spinocerebellar ataxia 10. Identifiers: Orphanet 284289, MedGen C3150998, MONDO:0013392, OMIM 613728.

Submission:

Myriad Genetics, Inc.
Classification: Pathogenic for Autosomal recessive spinocerebellar ataxia 10. Last evaluated: 2025-06-06. Review status: criteria provided, single submitter. Criteria: Myriad Autosomal Dominant, Autosomal Recessive and X-Linked Classification Criteria (2023). Collection method: clinical testing. Allele origin: unknown.
Comment: NM_018075.3(ANO10):c.885_886delTTinsC(S296Pfs*38) is expected to be pathogenic in the context of spinocerebellar ataxia, ANO10-related. This variant is predicted to lead to an abnormal or absent protein product due to the creation of a premature termination codon in ANO10, a gene where loss-of-function variants are known to be pathogenic. Please note: this variant was assessed in the context of healthy population screening.

NM_018075.5(ANO10):c.885_886delinsC (p.Ser296fs)

Gene: ANO10 (anoctamin 10; minus strand). Cytogenetic location: 3p22.1.
Variant type: Indel.
Coding change: c.885_886delinsC on transcript NM_018075.5 (MANE Select); coding-DNA positions 885 to 886, TT replaced by C.
Protein change: p.Ser296fs; shifts the reading frame from serine 296.
Molecular consequence: frameshift variant. On other transcripts: intron variant (1).
Genome position (GRCh38, 1-based): chr3:43,576,968-43,576,969, AA replaced by G on the plus strand (TT replaced by C on the coding strand, the reverse complement: ANO10 is on the minus strand). VCF-style: chr3-43576968-AA-G. GRCh37 (hg19) VCF-style: chr3-43618460-AA-G.
Other names: c.687_688delinsC, p.Ser230fs (NM_001346469.2, NM_001204832.3, NM_001346466.2); c.593-2105_593-2104delinsC (NM_001204834.3); c.885_886delinsC, p.Ser296fs (NM_001204831.3, NM_001346463.2, NM_001346464.2 and 3 more transcripts); c.552_553delinsC, p.Ser185fs (NM_001204833.3); short protein forms S185fs, S230fs, S296fs.
Identifiers: ClinVar variation 5014560 (VCV005014560.1).